The following is an entry in ClinVar:

ClinVar aggregate classification (germline): Uncertain significance (1 of 4 stars; one submission).

gnomAD v4.1: 8 of 1,614,148 alleles (0.0005%); highest among the groups gnomAD compares: South Asian, 0.0066%; no homozygotes.

Submission:

Ambry Genetics
Classification: Uncertain significance. Last evaluated: 2024-05-18. Review status: criteria provided, single submitter. Criteria: Ambry Variant Classification Scheme 2023. Collection method: clinical testing. Allele origin: germline.
Comment: The p.A305T variant (also known as c.913G>A), located in coding exon 6 of the IDH1 gene, results from a G to A substitution at nucleotide position 913. The alanine at codon 305 is replaced by threonine, an amino acid with similar properties. This amino acid position is conserved. In addition, the in silico prediction for this alteration is inconclusive. Based on the available evidence, the clinical significance of this variant remains unclear.

NM_005896.4(IDH1):c.913G>A (p.Ala305Thr)

Gene: IDH1 (isocitrate dehydrogenase (NADP(+)) 1; minus strand). Cytogenetic location: 2q34.
Variant type: single nucleotide variant.
Coding change: c.913G>A on transcript NM_005896.4 (MANE Select); coding-DNA position 913, G replaced by A.
Protein change: p.Ala305Thr; replaces alanine 305 with threonine.
Molecular consequence: missense variant.
Genome position (GRCh38, 1-based): chr2:208,239,941, C>T on the plus strand (G>A on the coding strand, the complement: IDH1 is on the minus strand). VCF-style: chr2-208239941-C-T. GRCh37 (hg19) VCF-style: chr2-209104665-C-T.
Other names: c.913G>A, p.Ala305Thr (NM_001282386.1, NM_001282387.1); short protein forms A305T.
Identifiers: ClinVar variation 3285227 (VCV003285227.1).